The following is an entry in ClinVar:

ClinVar aggregate classification (germline): Likely benign. Review status: criteria provided, multiple submitters, no conflicts (2 of 4 stars). 6 submissions from 6 submitters: Likely benign (5). 1 of the submissions does not count toward it. Last evaluated 2025-12-20.

Conditions:
Fanconi anemia complementation group A (FANCA). Also called: Fanconi anemia, group A; FANCA-Related Fanconi Anemia. Identifiers: Orphanet 84, MedGen C3469521, MONDO:0009215, OMIM 227650.
Inborn genetic diseases. Identifiers: MedGen C0950123, MeSH D030342.
Fanconi anemia (FA). Also called: Fanconi's anemia. Identifiers: Orphanet 84, MedGen C0015625, MeSH D005199, MONDO:0019391.

Allele frequency attached by ClinVar (database versions not stated): gnomAD 0.00005 and 0.00006; TOPMed 0.00006; 1000 Genomes Project 0.00020; 1000 Genomes Project 30x 0.00031.
gnomAD v4.1: 36 of 1,614,006 alleles (0.0022%); highest among the groups gnomAD compares: African/African-American, 0.019%; no homozygotes.

Submissions (6):

Labcorp Genetics (formerly Invitae), Labcorp
Classification: Likely benign for Fanconi anemia. Last evaluated: 2025-12-20. Review status: criteria provided, single submitter. Criteria: Invitae Variant Classification Sherloc (09022015). Collection method: clinical testing. Allele origin: germline.

CeGaT Center for Human Genetics Tuebingen
Classification: Likely benign. Last evaluated: 2025-09-01. Review status: criteria provided, single submitter. Criteria: CeGaT Center For Human Genetics Tuebingen Variant Classification Criteria Version 2. Collection method: clinical testing. Allele origin: germline. Affected: yes. Observed: 1 variant allele.
Comment: FANCA: BP4, BP7

Quest Diagnostics Nichols Institute San Juan Capistrano
Classification: Likely benign. Last evaluated: 2025-02-28. Review status: criteria provided, single submitter. Criteria: Quest Diagnostics criteria. Collection method: clinical testing. Allele origin: unknown.

Ambry Genetics
Classification: Likely benign for Inborn genetic diseases. Last evaluated: 2024-11-23. Review status: criteria provided, single submitter. Criteria: Ambry Variant Classification Scheme 2023. Collection method: clinical testing. Allele origin: germline.

Blueprint Genetics
Classification: Likely benign. Last evaluated: 2022-06-22. Review status: criteria provided, single submitter. Criteria: ACMG Guidelines, 2015. Collection method: clinical testing. Allele origin: germline.

Natera, Inc.
Classification: Uncertain significance for Fanconi anemia, group A. Last evaluated: 2020-01-17. Review status: no assertion criteria provided. Collection method: clinical testing. Allele origin: germline. Not counted in ClinVar's aggregate classification.

NM_000135.4(FANCA):c.1806G>A (p.Ala602=)

Gene: FANCA (FA complementation group A; minus strand). Cytogenetic location: 16q24.3.
Variant type: single nucleotide variant.
Coding change: c.1806G>A on transcript NM_000135.4 (MANE Select); coding-DNA position 1806, G replaced by A.
Protein change: p.Ala602=; no amino-acid change (alanine 602 retained).
Molecular consequence: synonymous variant.
Genome position (GRCh38, 1-based): chr16:89,778,821, C>T on the plus strand (G>A on the coding strand, the complement: FANCA is on the minus strand). VCF-style: chr16-89778821-C-T. GRCh37 (hg19) VCF-style: chr16-89845229-C-T.
Other names: c.1806G>A (NM_000135.3); c.1806G>A, p.Ala602= (NM_001286167.3).
Identifiers: ClinVar variation 700863 (VCV000700863.22), dbSNP rs550064744, ClinGen allele CA8252061.